The following continues an entry in ClinVar:

NM_001267550.2(TTN):c.15563A>C (p.Gln5188Pro)

Gene: TTN. ClinVar aggregate classification (germline): Conflicting classifications of pathogenicity. Uncertain significance (6); Benign (5); Likely benign (8).

Submissions 20 to 25 of 25:

PreventionGenetics, part of Exact Sciences
Classification: Likely benign for TTN-related condition. Last evaluated: 2020-09-30. Review status: no assertion criteria provided. Collection method: clinical testing. Allele origin: germline. Not counted in ClinVar's aggregate classification.
Comment: This variant is classified as likely benign based on ACMG/AMP sequence variant interpretation guidelines (Richards et al. 2015 PMID: 25741868, with internal and published modifications).

Clinical Genetics, Academic Medical Center
Classification: Benign. Review status: no assertion criteria provided. Collection method: clinical testing. Allele origin: germline. Affected: yes. Study: VKGL Data-share Consensus. Not counted in ClinVar's aggregate classification.

Diagnostic Laboratory, Department of Genetics, University Medical Center Groningen
Classification: Likely benign. Review status: no assertion criteria provided. Collection method: clinical testing. Allele origin: germline. Affected: yes. Study: VKGL Data-share Consensus. Not counted in ClinVar's aggregate classification.

Joint Genome Diagnostic Labs from Nijmegen and Maastricht, Radboudumc and MUMC+
Classification: Likely benign. Review status: no assertion criteria provided. Collection method: clinical testing. Allele origin: germline. Affected: yes. Study: VKGL Data-share Consensus. Not counted in ClinVar's aggregate classification.

Laboratory of Diagnostic Genome Analysis, Leiden University Medical Center (LUMC)
Classification: Likely benign. Review status: no assertion criteria provided. Collection method: clinical testing. Allele origin: germline. Affected: yes. Study: VKGL Data-share Consensus. Not counted in ClinVar's aggregate classification.

Practice for Gait Abnormalities, David Pomarino, Competency Network Toe Walking C/o Practice Pomarino
Classification: Likely pathogenic for Tip-toe gait. Review status: flagged submission. Collection method: clinical testing. Allele origin: germline. Affected: yes. Not counted in ClinVar's aggregate classification.
Comment: Myopathy refers to diseases that affect skeletal Muscles. These diseases attack muscle fibers, making muscles weak. Inherited myopathies are often caused by inheriting an abnormal gene mutation from a parent that causes the disease. Symptoms of congenital myopathies usually start at birth or in early childhood, but may not appear until the teen years or even later in adulthood. Congenital myopathies are somewhat unique compared with other inherited myopathies, as weakness typically affects all muscles and is often not progressive. Symptoms are: Muscle weakness, most commonly of upper arms and shoulders and thighs, muscle cramps, stiffness and spasms, fatigue with exertion and lack of energy. Our patients all walk on tiptoe, so they show similar symptoms. When we genetically test them with our toe walking panel, we find that around 90 per cent of them have a genetic variant that explains their toe walking. These can be assigned, for example, to the area of myopathies (such as variants of the COL6A3 gene), the area of hereditary neuropathies (such as variants of the KMT2C gene) or the area of metabolic diseases (such as variants of the PYGM gene). In a smaller group of patients with almost identical symptoms, no abnormality is found in the genes of our panel, but spastic paraplegia can be detected. In another small group of our toe walkers, no abnormalities can be detected in the genes analysed in our toe walking panel, nor do they suffer from spastic paraplegia, as is also the case with healthy children. In contrast to these, however, they show a tiptoe gait. These patients suffer from infantile cerebral palsy, in which toe walking can also be observed.
ClinVar note: Notes: This gene has insufficient supporting evidence for isolated tip-toe gait.
ClinVar note: Reason: P/LP classification for a variant in a gene with insufficient evidence for a gene-disease relationship

Literature cited by the submitters: PubMed 37091313 (cited by Practice for Gait Abnormalities, David Pomarino, Competency Network Toe Walking C/o Practice Pomarino).